The following is an entry in ClinVar:

ClinVar aggregate classification (germline): Uncertain significance (1 of 4 stars; one submission).

Conditions:
Inborn genetic diseases. Identifiers: MedGen C0950123, MeSH D030342.

Submission:

Ambry Genetics
Classification: Uncertain significance for Inborn genetic diseases. Last evaluated: 2026-06-14. Review status: criteria provided, single submitter. Criteria: Ambry Variant Classification Scheme 2023. Collection method: clinical testing. Allele origin: germline.
Comment: The p.K343R variant (also known as c.1028A>G), located in coding exon 11 of the RTEL1 gene, results from an A to G substitution at nucleotide position 1028. The lysine at codon 343 is replaced by arginine, an amino acid with highly similar properties. This amino acid position is conserved. In addition, the in silico prediction for this alteration is inconclusive. Based on the available evidence, the clinical significance of this variant remains unclear.

NM_001283009.2(RTEL1):c.1028A>G (p.Lys343Arg)

Genes: RTEL1 (regulator of telomere elongation helicase 1; plus strand), RTEL1-TNFRSF6B (RTEL1-TNFRSF6B readthrough (NMD candidate); plus strand). Cytogenetic location: 20q13.33.
Variant type: single nucleotide variant.
Coding change: c.1028A>G on transcript NM_001283009.2 (MANE Select); coding-DNA position 1028, A replaced by G.
Protein change: p.Lys343Arg; replaces lysine 343 with arginine.
Molecular consequence: missense variant. On other transcripts: non-coding transcript variant (1).
Genome position (GRCh38, 1-based): chr20:63,678,337, A>G. VCF-style: chr20-63678337-A-G. GRCh37 (hg19) VCF-style: chr20-62309690-A-G.
Other names: c.359A>G, p.Lys120Arg (NM_001283010.1); c.1028A>G, p.Lys343Arg (NM_016434.4); c.1100A>G, p.Lys367Arg (NM_032957.5); short protein forms K120R, K343R, K367R.
Identifiers: ClinVar variation 4863626 (VCV004863626.1).